The following is an entry in ClinVar:

ClinVar aggregate classification (germline): Uncertain significance. Review status: criteria provided, multiple submitters, no conflicts (2 of 4 stars). 2 submissions from 2 submitters: Uncertain significance (2). Last evaluated 2025-11-03.

Conditions:
Combined immunodeficiency due to DOCK8 deficiency (HIES2). Also called: HIES autosomal recessive; Hyper-IgE recurrent infection syndrome, autosomal recessive; HYPER-IgE RECURRENT INFECTION SYNDROME 2, AUTOSOMAL RECESSIVE; HYPER-IgE SYNDROME 2, AUTOSOMAL RECESSIVE, WITH RECURRENT INFECTIONS; DOCK8 Deficiency. Identifiers: Orphanet 217390, MedGen C4722305, MONDO:0009478, OMIM 243700.
Inborn genetic diseases. Identifiers: MedGen C0950123, MeSH D030342.

Submissions (2):

Labcorp Genetics (formerly Invitae), Labcorp
Classification: Uncertain significance for Combined immunodeficiency due to DOCK8 deficiency. Last evaluated: 2025-11-03. Review status: criteria provided, single submitter. Criteria: Invitae Variant Classification Sherloc (09022015). Collection method: clinical testing. Allele origin: germline.
Comment: This sequence change replaces lysine, which is basic and polar, with arginine, which is basic and polar, at codon 462 of the DOCK8 protein (p.Lys462Arg). This variant is not present in population databases (gnomAD no frequency). This variant has not been reported in the literature in individuals affected with DOCK8-related conditions. ClinVar contains an entry for this variant (Variation ID: 3842017). Invitae Evidence Modeling of protein sequence and biophysical properties (such as structural, functional, and spatial information, amino acid conservation, physicochemical variation, residue mobility, and thermodynamic stability) indicates that this missense variant is not expected to disrupt DOCK8 protein function with a negative predictive value of 80%. In summary, the available evidence is currently insufficient to determine the role of this variant in disease. Therefore, it has been classified as a Variant of Uncertain Significance.

Ambry Genetics
Classification: Uncertain significance for Inborn genetic diseases. Last evaluated: 2025-03-14. Review status: criteria provided, single submitter. Criteria: Ambry Variant Classification Scheme 2023. Collection method: clinical testing. Allele origin: germline.

NM_203447.4(DOCK8):c.1385A>G (p.Lys462Arg)

Gene: DOCK8 (dedicator of cytokinesis 8; plus strand). Cytogenetic location: 9p24.3.
Variant type: single nucleotide variant.
Coding change: c.1385A>G on transcript NM_203447.4 (MANE Select); coding-DNA position 1385, A replaced by G.
Protein change: p.Lys462Arg; replaces lysine 462 with arginine.
Molecular consequence: missense variant.
Genome position (GRCh38, 1-based): chr9:336,681, A>G. VCF-style: chr9-336681-A-G. GRCh37 (hg19) VCF-style: chr9-336681-A-G.
Other names: c.1181A>G, p.Lys394Arg (NM_001193536.2, NM_001190458.2); short protein forms K394R, K462R.
Identifiers: ClinVar variation 3842017 (VCV003842017.2).